The following is an entry in ClinVar:

ClinVar aggregate classification (germline): Uncertain significance (1 of 4 stars; one submission).

gnomAD v4.1: 1 of 982,000 alleles (0.0001%); highest among the groups gnomAD compares: Non-Finnish European, 0.00013%; no homozygotes.

Submission:

Labcorp Genetics (formerly Invitae), Labcorp
Classification: Uncertain significance. Last evaluated: 2023-05-12. Review status: criteria provided, single submitter. Criteria: Invitae Variant Classification Sherloc (09022015). Collection method: clinical testing. Allele origin: germline.
Comment: In summary, the available evidence is currently insufficient to determine the role of this variant in disease. Therefore, it has been classified as a Variant of Uncertain Significance. Advanced modeling of protein sequence and biophysical properties (such as structural, functional, and spatial information, amino acid conservation, physicochemical variation, residue mobility, and thermodynamic stability) performed at Invitae indicates that this missense variant is not expected to disrupt NYX protein function. This sequence change replaces glycine, which is neutral and non-polar, with serine, which is neutral and polar, at codon 17 of the NYX protein (p.Gly17Ser). This variant has not been reported in the literature in individuals affected with NYX-related conditions. The frequency data for this variant in the population databases is considered unreliable, as metrics indicate insufficient coverage at this position in the gnomAD database.

NM_001378477.3(NYX):c.34G>A (p.Gly12Ser)

Gene: NYX (nyctalopin; plus strand). Cytogenetic location: Xp11.4.
Variant type: single nucleotide variant.
Coding change: c.34G>A on transcript NM_001378477.3 (MANE Select); coding-DNA position 34, G replaced by A.
Protein change: p.Gly12Ser; replaces glycine 12 with serine.
Molecular consequence: missense variant.
Genome position (GRCh38, 1-based): chrX:41,473,502, G>A. VCF-style: chrX-41473502-G-A. GRCh37 (hg19) VCF-style: chrX-41332755-G-A.
Other names: c.34G>A, p.Gly12Ser (NM_022567.3); short protein forms G12S.
Identifiers: ClinVar variation 2863566 (VCV002863566.3), dbSNP rs769075010, ClinGen allele CA10389778.